The following is an entry in ClinVar:

NM_001035.3(RYR2):c.3122G>A (p.Arg1041Gln)

Gene: RYR2 (ryanodine receptor 2; plus strand). Cytogenetic location: 1q43.
Variant type: single nucleotide variant.
Coding change: c.3122G>A on transcript NM_001035.3 (MANE Select); coding-DNA position 3122, G replaced by A.
Protein change: p.Arg1041Gln; replaces arginine 1041 with glutamine.
Molecular consequence: missense variant.
Genome position (GRCh38, 1-based): chr1:237,550,599, G>A. VCF-style: chr1-237550599-G-A. GRCh37 (hg19) VCF-style: chr1-237713899-G-A.
Other names: c.3122G>A, p.Arg1041Gln (LRG_402t1); short protein forms R1041Q.
Identifiers: ClinVar variation 629568 (VCV000629568.21), dbSNP rs773781713, ClinGen allele CA086314.

ClinVar aggregate classification (germline): Conflicting classifications of pathogenicity. Review status: criteria provided, conflicting classifications (1 of 4 stars). 5 submissions from 5 submitters: Uncertain significance (4); Likely benign (1). Last evaluated 2026-01-14.

Conditions:
Cardiomyopathy (CMYO). Also called: Cardiomyopathies. Identifiers: Orphanet 167848, MedGen C0878544, MONDO:0004994, HP:0001638. Inheritance: Various modes of inheritance.
Catecholaminergic polymorphic ventricular tachycardia 1. Also called: RYR2-Related Catecholaminergic Polymorphic Ventricular Tachycardia; VENTRICULAR TACHYCARDIA, CATECHOLAMINERGIC POLYMORPHIC, 1, WITH OR WITHOUT ATRIAL DYSFUNCTION AND/OR DILATED CARDIOMYOPATHY; VENTRICULAR TACHYCARDIA, STRESS-INDUCED POLYMORPHIC 1. Identifiers: Orphanet 3286, MedGen C1631597, MONDO:0011484, OMIM 604772.
Cardiovascular phenotype. Identifiers: MedGen CN230736.
Catecholaminergic polymorphic ventricular tachycardia (CVPT). Also called: Catecholamine-induced polymorphic ventricular tachycardia. Identifiers: Orphanet 3286, MedGen C5574922, MONDO:0017990.

Allele frequency attached by ClinVar (database versions not stated): ExAC 0.00002.
gnomAD v4.1: 15 of 1,604,630 alleles (0.00093%); highest among the groups gnomAD compares: African/African-American, 0.0027%; no homozygotes.

Submissions (5):

Labcorp Genetics (formerly Invitae), Labcorp
Classification: Likely benign for Catecholaminergic polymorphic ventricular tachycardia 1. Last evaluated: 2026-01-14. Review status: criteria provided, single submitter. Criteria: Invitae Variant Classification Sherloc (09022015). Collection method: clinical testing. Allele origin: germline.

GeneDx
Classification: Uncertain significance. Last evaluated: 2025-12-31. Review status: criteria provided, single submitter. Criteria: GeneDx Variant Classification Process June 2021. Collection method: clinical testing. Allele origin: germline. Affected: yes.
Comment: Not observed at significant frequency in large population cohorts (gnomAD); In silico analysis supports that this missense variant has a deleterious effect on protein structure/function; Not located in one of the three hot-spot regions of the RYR2 gene, where the majority of pathogenic missense variants occur (PMID: 19926015); Has not been previously published as pathogenic or benign to our knowledge; This variant is associated with the following publications: (PMID: 19926015)

Ambry Genetics
Classification: Uncertain significance for Cardiovascular phenotype. Last evaluated: 2025-02-08. Review status: criteria provided, single submitter. Criteria: Ambry Variant Classification Scheme 2023. Collection method: clinical testing. Allele origin: germline.
Comment: The p.R1041Q variant (also known as c.3122G>A), located in coding exon 27 of the RYR2 gene, results from a G to A substitution at nucleotide position 3122. The arginine at codon 1041 is replaced by glutamine, an amino acid with highly similar properties. This amino acid position is highly conserved in available vertebrate species. In addition, the in silico prediction for this alteration is inconclusive. Based on the available evidence, the clinical significance of this variant remains unclear.

All of Us Research Program, National Institutes of Health
Classification: Uncertain significance for Catecholaminergic polymorphic ventricular tachycardia. Last evaluated: 2024-03-24. Review status: criteria provided, single submitter. Criteria: ACMG Guidelines, 2015. Collection method: clinical testing. Allele origin: germline. Inheritance: Autosomal dominant inheritance. Observed: 9 variant alleles, 9 heterozygotes.
Comment: This missense variant replaces arginine with glutamine at codon 1041 of the RYR2 protein. Computational prediction suggests that this variant may have deleterious impact on protein structure and function (internally defined REVEL score threshold >= 0.7, PMID: 27666373). To our knowledge, functional studies have not been performed for this variant. This variant has not been reported in individuals affected with cardiovascular disorders in the literature. This variant has been identified in 3/231530 chromosomes in the general population by the Genome Aggregation Database (gnomAD). The available evidence is insufficient to determine the role of this variant in disease conclusively. Therefore, this variant is classified as a Variant of Uncertain Significance.

This study involves interpretation of variants in research participants for the purpose of population health screening. Participant phenotype was not available at the time of variant classification. Additional details can be found in publication PMID: 35346344, PMCID: PMC8962531

Color Diagnostics, LLC DBA Color Health
Classification: Uncertain significance for Cardiomyopathy. Last evaluated: 2024-03-06. Review status: criteria provided, single submitter. Criteria: ACMG Guidelines, 2015. Collection method: clinical testing. Allele origin: germline.
Comment: This missense variant replaces arginine with glutamine at codon 1041 of the RYR2 protein. Computational prediction suggests that this variant may have deleterious impact on protein structure and function (internally defined REVEL score threshold >= 0.7, PMID: 27666373). To our knowledge, functional studies have not been reported for this variant. This variant has not been reported in individuals affected with RYR2-related disorders in the literature. This variant has been identified in 3/231530 chromosomes in the general population by the Genome Aggregation Database (gnomAD). The available evidence is insufficient to determine the role of this variant in disease conclusively. Therefore, this variant is classified as a Variant of Uncertain Significance.